The following is an entry in ClinVar:

NM_006939.4(SOS2):c.3526C>A (p.Pro1176Thr)

Gene: SOS2 (SOS Ras/Rho guanine nucleotide exchange factor 2; minus strand). Cytogenetic location: 14q21.3.
Variant type: single nucleotide variant.
Coding change: c.3526C>A on transcript NM_006939.4 (MANE Select); coding-DNA position 3526, C replaced by A.
Protein change: p.Pro1176Thr; replaces proline 1176 with threonine.
Molecular consequence: missense variant.
Genome position (GRCh38, 1-based): chr14:50,118,817, G>T on the plus strand (C>A on the coding strand, the complement: SOS2 is on the minus strand). VCF-style: chr14-50118817-G-T. GRCh37 (hg19) VCF-style: chr14-50585535-G-T.
Other names: c.3427C>A, p.Pro1143Thr (NM_001411020.1); short protein forms P1143T, P1176T.
Identifiers: ClinVar variation 2131939 (VCV002131939.4), dbSNP rs766766467, ClinGen allele CA389638735.

ClinVar aggregate classification (germline): Uncertain significance (1 of 4 stars; one submission).

Conditions:
Noonan syndrome 9 (NS9). Identifiers: Orphanet 648, MedGen C4225282, MONDO:0014691, OMIM 616559.

gnomAD v4.1: 1 of 1,512,202 alleles (0.000066%); no homozygotes.

Submission:

Labcorp Genetics (formerly Invitae), Labcorp
Classification: Uncertain significance for Noonan syndrome 9. Last evaluated: 2022-05-09. Review status: criteria provided, single submitter. Criteria: Invitae Variant Classification Sherloc (09022015). Collection method: clinical testing. Allele origin: germline.
Comment: In summary, the available evidence is currently insufficient to determine the role of this variant in disease. Therefore, it has been classified as a Variant of Uncertain Significance. Advanced modeling of protein sequence and biophysical properties (such as structural, functional, and spatial information, amino acid conservation, physicochemical variation, residue mobility, and thermodynamic stability) performed at Invitae indicates that this missense variant is not expected to disrupt SOS2 protein function. This variant has not been reported in the literature in individuals affected with SOS2-related conditions. This variant is not present in population databases (gnomAD no frequency). This sequence change replaces proline, which is neutral and non-polar, with threonine, which is neutral and polar, at codon 1176 of the SOS2 protein (p.Pro1176Thr).